The following is an entry in ClinVar:

NM_001142800.2(EYS):c.5629C>T (p.Arg1877Trp)

Gene: EYS (EGF-like photoreceptor maintenance factor; minus strand). Cytogenetic location: 6q12.
Variant type: single nucleotide variant.
Coding change: c.5629C>T on transcript NM_001142800.2 (MANE Select); coding-DNA position 5629, C replaced by T.
Protein change: p.Arg1877Trp; replaces arginine 1877 with tryptophan.
Molecular consequence: missense variant.
Genome position (GRCh38, 1-based): chr6:64,590,238, G>A on the plus strand (C>T on the coding strand, the complement: EYS is on the minus strand). VCF-style: chr6-64590238-G-A. GRCh37 (hg19) VCF-style: chr6-65300131-G-A.
Other names: c.5629C>T, p.Arg1877Trp (NM_001292009.2); short protein forms R1877W.
Identifiers: ClinVar variation 724734 (VCV000724734.43), dbSNP rs139822086, ClinGen allele CA3877002.

ClinVar aggregate classification (germline): Conflicting classifications of pathogenicity. Review status: criteria provided, conflicting classifications (1 of 4 stars). 6 submissions from 6 submitters: Uncertain significance (2); Likely benign (3). 1 of the submissions does not count toward it. Last evaluated 2026-01-28.

Conditions:
Retinitis pigmentosa 25 (RP25). Identifiers: Orphanet 791, MedGen C1864446, MONDO:0011272, OMIM 602772.
Retinitis pigmentosa (RP). Identifiers: Orphanet 791, MedGen C0035334, MeSH D012174, MONDO:0019200, OMIM 268000. Inheritance: Autosomal dominant, autosomal recessive and X linked inheritance.

Allele frequency attached by ClinVar (database versions not stated): gnomAD exomes 0.00070; ExAC 0.00128; ESP Exome Variant Server 0.00219; gnomAD 0.00261 and 0.00273; TOPMed 0.00306; 1000 Genomes Project 0.00339; 1000 Genomes Project 30x 0.00437.
gnomAD v4.1: 946 of 1,544,726 alleles (0.061%); highest among the groups gnomAD compares: African/African-American, 0.93%; 7 homozygotes.

Submissions (6):

Labcorp Genetics (formerly Invitae), Labcorp
Classification: Likely benign. Last evaluated: 2026-01-28. Review status: criteria provided, single submitter. Criteria: Invitae Variant Classification Sherloc (09022015). Collection method: clinical testing. Allele origin: germline.

CeGaT Center for Human Genetics Tuebingen
Classification: Likely benign. Last evaluated: 2025-10-01. Review status: criteria provided, single submitter. Criteria: CeGaT Center For Human Genetics Tuebingen Variant Classification Criteria Version 2. Collection method: clinical testing. Allele origin: germline. Affected: yes. Observed: 2 variant alleles.
Comment: EYS: BP4, BS2

Blueprint Genetics
Classification: Likely benign. Last evaluated: 2024-10-11. Review status: criteria provided, single submitter. Criteria: ACMG Guidelines, 2015. Collection method: clinical testing. Allele origin: germline.

Genome-Nilou Lab
Classification: Uncertain significance for Retinitis pigmentosa 25. Last evaluated: 2021-07-14. Review status: criteria provided, single submitter. Criteria: ACMG Guidelines, 2015. Collection method: clinical testing. Allele origin: germline. Affected: no.

Illumina Laboratory Services, Illumina
Classification: Uncertain significance for Retinitis pigmentosa. Last evaluated: 2018-01-12. Review status: criteria provided, single submitter. Criteria: ICSL Variant Classification Criteria 13 December 2019. Collection method: clinical testing. Allele origin: germline.

Natera, Inc.
Classification: Likely benign for Retinitis pigmentosa type 25. Last evaluated: 2019-11-11. Review status: no assertion criteria provided. Collection method: clinical testing. Allele origin: germline. Not counted in ClinVar's aggregate classification.